The following is an entry in ClinVar:

NM_001277115.2(DNAH11):c.1425G>A (p.Glu475=)

Gene: DNAH11 (dynein axonemal heavy chain 11; plus strand). Cytogenetic location: 7p15.3.
Variant type: single nucleotide variant.
Coding change: c.1425G>A on transcript NM_001277115.2 (MANE Select); coding-DNA position 1425, G replaced by A.
Protein change: p.Glu475=; no amino-acid change (glutamic acid 475 retained).
Molecular consequence: synonymous variant.
Genome position (GRCh38, 1-based): chr7:21,570,299, G>A. VCF-style: chr7-21570299-G-A. GRCh37 (hg19) VCF-style: chr7-21609917-G-A.
Identifiers: ClinVar variation 1056640 (VCV001056640.7), dbSNP rs2128436389, ClinGen allele CA453962391.

ClinVar aggregate classification (germline): Uncertain significance (1 of 4 stars; one submission).

Conditions:
Primary ciliary dyskinesia. Also called: Ciliary dyskinesia. Identifiers: Orphanet 244, MedGen C0008780, MONDO:0016575, HP:0012265.

Submission:

Labcorp Genetics (formerly Invitae), Labcorp
Classification: Uncertain significance for Primary ciliary dyskinesia. Last evaluated: 2020-06-30. Review status: criteria provided, single submitter. Criteria: Invitae Variant Classification Sherloc (09022015). Collection method: clinical testing. Allele origin: germline.
Comment: This variant is not present in population databases (ExAC no frequency). In summary, the available evidence is currently insufficient to determine the role of this variant in disease. Therefore, it has been classified as a Variant of Uncertain Significance. Nucleotide substitutions within the consensus splice site are a relatively common cause of aberrant splicing (PMID: 17576681, 9536098). Algorithms developed to predict the effect of sequence changes on RNA splicing suggest that this variant may disrupt the consensus splice site, but this prediction has not been confirmed by published transcriptional studies. This variant has not been reported in the literature in individuals with DNAH11-related conditions. This sequence change affects codon 475 of the DNAH11 mRNA. It is a 'silent' change, meaning that it does not change the encoded amino acid sequence of the DNAH11 protein. This variant also falls at the last nucleotide of exon 7 of the DNAH11 coding sequence, which is part of the consensus splice site for this exon.

Literature cited by the submitters: PubMed 17576681; PubMed 9536098.